The following is an entry in ClinVar:

ClinVar aggregate classification (germline): Uncertain significance (1 of 4 stars; one submission).

Conditions:
Hereditary pancreatitis (PCTT). Also called: Hereditary chronic pancreatitis; PRSS1-Related Hereditary Pancreatitis. Identifiers: Orphanet 676, MedGen C0238339, MONDO:0008185, OMIM 167800.

Submission:

Ambry Genetics
Classification: Uncertain significance for Hereditary pancreatitis. Last evaluated: 2025-07-16. Review status: criteria provided, single submitter. Criteria: Ambry Variant Classification Scheme 2023. Collection method: clinical testing. Allele origin: germline.
Comment: The p.N234I variant (also known as c.701A>T), located in coding exon 5 of the PRSS1 gene, results from an A to T substitution at nucleotide position 701. The asparagine at codon 234 is replaced by isoleucine, an amino acid with dissimilar properties. This amino acid position is conserved. In addition, the in silico prediction for this alteration is inconclusive. Since supporting evidence is limited at this time, the clinical significance of this alteration remains unclear.

NM_002769.5(PRSS1):c.701A>T (p.Asn234Ile)

Genes: TRB (T cell receptor beta locus; plus strand), PRSS1 (serine protease 1; plus strand). Cytogenetic location: 7q34.
Variant type: single nucleotide variant.
Coding change: c.701A>T on transcript NM_002769.5 (MANE Select); coding-DNA position 701, A replaced by T.
Protein change: p.Asn234Ile; replaces asparagine 234 with isoleucine.
Molecular consequence: missense variant. On other transcripts: non-coding transcript variant (5).
Genome position (GRCh38, 1-based): chr7:142,752,977, A>T. VCF-style: chr7-142752977-A-T. GRCh37 (hg19) VCF-style: chr7-142460828-A-T.
Other names: short protein forms N234I.
Identifiers: ClinVar variation 1756708 (VCV001756708.3), dbSNP rs1798881190, ClinGen allele CA369610957.